The following is an entry in ClinVar:

ClinVar aggregate classification (germline): Pathogenic. Review status: reviewed by expert panel (3 of 4 stars). 2 submissions from 2 submitters: Pathogenic (1). 1 of the submissions does not count toward it. Last evaluated 2016-10-18.

Conditions:
Breast-ovarian cancer, familial, susceptibility to, 2 (BROVCA2). Also called: BRCA2 Hereditary Breast and Ovarian Cancer. Identifiers: Orphanet 145, MedGen C2675520, MONDO:0012933, OMIM 612555. Disease mechanism: loss of function.

Submissions (2):

Evidence-based Network for the Interpretation of Germline Mutant Alleles (ENIGMA)
Classification: Pathogenic for Breast-ovarian cancer, familial, susceptibility to, 2. Last evaluated: 2016-10-18. Review status: reviewed by expert panel. Criteria: ENIGMA BRCA1/2 Classification Criteria (2015). Collection method: curation. Allele origin: germline.
Comment: Variant allele predicted to encode a truncated non-functional protein.

Consortium of Investigators of Modifiers of BRCA1/2 (CIMBA), c/o University of Cambridge
Classification: Pathogenic for Breast-ovarian cancer, familial, susceptibility to, 2. Last evaluated: 2015-10-02. Review status: criteria provided, single submitter. Criteria: CIMBA Mutation Classification guidelines May 2016. Collection method: clinical testing. Allele origin: germline. Not counted in ClinVar's aggregate classification.

NC_000013.11:g.32339684_32339689delinsG

Gene: BRCA2 (BRCA2 DNA repair associated; plus strand). Cytogenetic location: 13q13.1.
Variant type: Indel.
Genome position: GRCh38 VCF-style: chr13-32339684-AAGAAT-G. GRCh37 (hg19) VCF-style: chr13-32913821-AAGAAT-G.
Other names: 5557_5562delinsG; c.5329_5334delinsG, p.Lys1777fs (LRG_293t1).
Identifiers: ClinVar variation 266871 (VCV000266871.5), dbSNP rs886040588, ClinGen allele CA10589308.